The following is an entry in ClinVar:

NM_020166.5(MCCC1):c.454C>T (p.Pro152Ser)

Gene: MCCC1 (methylcrotonyl-CoA carboxylase subunit 1; minus strand). Cytogenetic location: 3q27.1.
Variant type: single nucleotide variant.
Coding change: c.454C>T on transcript NM_020166.5 (MANE Select); coding-DNA position 454, C replaced by T.
Protein change: p.Pro152Ser; replaces proline 152 with serine.
Molecular consequence: missense variant. On other transcripts: non-coding transcript variant (2), intron variant (1).
Genome position (GRCh38, 1-based): chr3:183,072,403, G>A on the plus strand (C>T on the coding strand, the complement: MCCC1 is on the minus strand). VCF-style: chr3-183072403-G-A. GRCh37 (hg19) VCF-style: chr3-182790191-G-A.
Other names: c.127C>T, p.Pro43Ser (NM_001363880.1); c.141-1046C>T (NM_001293273.2); short protein forms P43S, P152S.
Identifiers: ClinVar variation 1363783 (VCV001363783.8), dbSNP rs1022408190, ClinGen allele CA88717672.
Genomic context (GRCh38, chr3:183,072,403, plus strand): 5'-TTTTAAAAGATATAAACTCATACCTCTTTATACCCATGTCTCTAATTGCAGATGGAGGAG[G>A]GCCTATAAAAATAATTCCTTCTTGCTTACAAAGTTCAGCAAATTCCATGTTTTCTGAGAG-3'
Protein context (NP_064551.3, residues 142-162): CKQEGIIFIG[Pro152Ser]PPSAIRDMGI

ClinVar aggregate classification (germline): Uncertain significance (1 of 4 stars; one submission).

Conditions:
3-methylcrotonyl-CoA carboxylase 1 deficiency (MCC1D). Also called: MCCD TYPE 1; METHYLCROTONYLGLYCINURIA TYPE I; MCC 1 deficiency; 3 Alpha methylcrotonylglycinuria 1. Identifiers: Orphanet 6, MedGen CN028786, MONDO:0008861, OMIM 210200.

Allele frequency attached by ClinVar (database versions not stated): gnomAD exomes below 0.00001.
gnomAD v4.1: 2 of 1,613,702 alleles (0.00012%); highest among the groups gnomAD compares: Non-Finnish European, 0.00017%; no homozygotes.

Submission:

Labcorp Genetics (formerly Invitae), Labcorp
Classification: Uncertain significance for 3-methylcrotonyl-CoA carboxylase 1 deficiency. Last evaluated: 2021-06-24. Review status: criteria provided, single submitter. Criteria: Invitae Variant Classification Sherloc (09022015). Collection method: clinical testing. Allele origin: germline.
Comment: In summary, the available evidence is currently insufficient to determine the role of this variant in disease. Therefore, it has been classified as a Variant of Uncertain Significance. This sequence change replaces proline with serine at codon 152 of the MCCC1 protein (p.Pro152Ser). The proline residue is highly conserved and there is a moderate physicochemical difference between proline and serine. This variant is not present in population databases (ExAC no frequency). This variant has been observed in individual(s) with 3 methylcrotonyl-CoA carboxylase deficiency (Invitae). Algorithms developed to predict the effect of missense changes on protein structure and function (SIFT, PolyPhen-2, Align-GVGD) all suggest that this variant is likely to be disruptive, but these predictions have not been confirmed by published functional studies and their clinical significance is uncertain. This variant disrupts the p.Pro152 amino acid residue in MCCC1. Other variant(s) that disrupt this residue have been observed in individuals with MCCC1-related conditions (Invitae), which suggests that this may be a clinically significant amino acid residue.